The following is an entry in ClinVar:

ClinVar aggregate classification (germline): Uncertain significance (1 of 4 stars; one submission).

Submission:

GeneDx
Classification: Uncertain significance. Last evaluated: 2025-06-10. Review status: criteria provided, single submitter. Criteria: GeneDx Variant Classification Process June 2021. Collection method: clinical testing. Allele origin: germline. Affected: yes.
Comment: Not observed at significant frequency in large population cohorts (gnomAD); Has not been previously published as pathogenic or benign to our knowledge; In silico analysis suggests this variant may impact gene splicing. In the absence of RNA/functional studies, the actual effect of this sequence change is unknown.

NC_000007.14:g.152139669ACCT[3]

Gene: KMT2C (lysine methyltransferase 2C; minus strand). Cytogenetic location: 7q36.1.
Variant type: Microsatellite.
Genome position: GRCh38 VCF-style: chr7-152139668-C-CACCT. GRCh37 (hg19) VCF-style: chr7-151836753-C-CACCT.
Identifiers: ClinVar variation 4537669 (VCV004537669.1).